The following is an entry in ClinVar:

NM_001190274.2(FBXO11):c.452C>G (p.Ala151Gly)

Gene: FBXO11 (F-box protein 11; minus strand). Cytogenetic location: 2p16.3.
Variant type: single nucleotide variant.
Coding change: c.452C>G on transcript NM_001190274.2 (MANE Select); coding-DNA position 452, C replaced by G.
Protein change: p.Ala151Gly; replaces alanine 151 with glycine.
Molecular consequence: missense variant.
Genome position (GRCh38, 1-based): chr2:47,838,994, G>C on the plus strand (C>G on the coding strand, the complement: FBXO11 is on the minus strand). VCF-style: chr2-47838994-G-C. GRCh37 (hg19) VCF-style: chr2-48066133-G-C.
Other names: c.200C>G, p.Ala67Gly (NM_001374325.1, NM_025133.4); short protein forms A151G, A67G.
Identifiers: ClinVar variation 4729473 (VCV004729473.1).

ClinVar aggregate classification (germline): Uncertain significance (1 of 4 stars; one submission).

Submission:

Labcorp Genetics (formerly Invitae), Labcorp
Classification: Uncertain significance. Last evaluated: 2026-01-16. Review status: criteria provided, single submitter. Criteria: Invitae Variant Classification Sherloc (09022015). Collection method: clinical testing. Allele origin: germline.
Comment: This sequence change replaces alanine, which is neutral and non-polar, with glycine, which is neutral and non-polar, at codon 151 of the FBXO11 protein (p.Ala151Gly). This variant is not present in population databases (gnomAD no frequency). This variant has not been reported in the literature in individuals affected with FBXO11-related conditions. An algorithm developed to predict the effect of missense changes on protein structure and function (PolyPhen-2) suggests that this variant is likely to be tolerated. In summary, the available evidence is currently insufficient to determine the role of this variant in disease. Therefore, it has been classified as a Variant of Uncertain Significance.